The following is an entry in ClinVar:

ClinVar aggregate classification (germline): Uncertain significance (1 of 4 stars; one submission).

Submission:

Labcorp Genetics (formerly Invitae), Labcorp
Classification: Uncertain significance. Last evaluated: 2021-04-05. Review status: criteria provided, single submitter. Criteria: Invitae Variant Classification Sherloc (09022015). Collection method: clinical testing. Allele origin: germline.
Comment: In summary, the available evidence is currently insufficient to determine the role of this variant in disease. Therefore, it has been classified as a Variant of Uncertain Significance. Algorithms developed to predict the effect of missense changes on protein structure and function are either unavailable or do not agree on the potential impact of this missense change (SIFT: "Deleterious"; PolyPhen-2: "Probably Damaging"; Align-GVGD: "Class C0"). This variant has not been reported in the literature in individuals with SBF1-related conditions. This variant is not present in population databases (ExAC no frequency). This sequence change replaces arginine with cysteine at codon 432 of the SBF1 protein (p.Arg432Cys). The arginine residue is highly conserved and there is a large physicochemical difference between arginine and cysteine.

NM_002972.4(SBF1):c.1294C>T (p.Arg432Cys)

Gene: SBF1 (SET binding factor 1; minus strand). Cytogenetic location: 22q13.33.
Variant type: single nucleotide variant.
Coding change: c.1294C>T on transcript NM_002972.4 (MANE Select); coding-DNA position 1294, C replaced by T.
Protein change: p.Arg432Cys; replaces arginine 432 with cysteine.
Molecular consequence: missense variant.
Genome position (GRCh38, 1-based): chr22:50,465,039, G>A on the plus strand (C>T on the coding strand, the complement: SBF1 is on the minus strand). VCF-style: chr22-50465039-G-A. GRCh37 (hg19) VCF-style: chr22-50903468-G-A.
Other names: c.1297C>T, p.Arg433Cys (NM_001365819.1); short protein forms R432C, R433C.
Identifiers: ClinVar variation 1523434 (VCV001523434.8), dbSNP rs2148598075, ClinGen allele CA412218151.